The following is an entry in ClinVar:

ClinVar aggregate classification (germline): Likely benign. Review status: criteria provided, multiple submitters, no conflicts (2 of 4 stars). 2 submissions from 2 submitters: Likely benign (2). Last evaluated 2026-01-21.

Allele frequency attached by ClinVar (database versions not stated): gnomAD exomes 0.00001; TOPMed 0.00003; ESP Exome Variant Server 0.00008.

Submissions (2):

Labcorp Genetics (formerly Invitae), Labcorp
Classification: Likely benign. Last evaluated: 2026-01-21. Review status: criteria provided, single submitter. Criteria: Invitae Variant Classification Sherloc (09022015). Collection method: clinical testing. Allele origin: germline.

GeneDx
Classification: Likely benign. Last evaluated: 2017-11-21. Review status: criteria provided, single submitter. Criteria: GeneDx Variant Classification (06012015). Collection method: clinical testing. Allele origin: germline. Affected: yes.
Comment: This variant is considered likely benign or benign based on one or more of the following criteria: it is a conservative change, it occurs at a poorly conserved position in the protein, it is predicted to be benign by multiple in silico algorithms, and/or has population frequency not consistent with disease.

NM_001128840.3(CACNA1D):c.2730C>T (p.Arg910=)

Gene: CACNA1D (calcium voltage-gated channel subunit alpha1 D; plus strand). Cytogenetic location: 3p21.1.
Variant type: single nucleotide variant.
Coding change: c.2730C>T on transcript NM_001128840.3 (MANE Select); coding-DNA position 2730, C replaced by T.
Protein change: p.Arg910=; no amino-acid change (arginine 910 retained).
Molecular consequence: synonymous variant.
Genome position (GRCh38, 1-based): chr3:53,735,482, C>T. VCF-style: chr3-53735482-C-T. GRCh37 (hg19) VCF-style: chr3-53769509-C-T.
Other names: c.2790C>T, p.Arg930= (NM_000720.4); c.2730C>T, p.Arg910= (NM_001128839.3).
Identifiers: ClinVar variation 513743 (VCV000513743.2), dbSNP rs139415202, ClinGen allele CA74855695.